The following is an entry in ClinVar:

NM_024598.4(USB1):c.388C>T (p.Arg130Cys)

Gene: USB1 (U6 snRNA biogenesis phosphodiesterase 1; plus strand). Cytogenetic location: 16q21.
Variant type: single nucleotide variant.
Coding change: c.388C>T on transcript NM_024598.4 (MANE Select); coding-DNA position 388, C replaced by T.
Protein change: p.Arg130Cys; replaces arginine 130 with cysteine.
Molecular consequence: missense variant.
Genome position (GRCh38, 1-based): chr16:58,010,051, C>T. VCF-style: chr16-58010051-C-T. GRCh37 (hg19) VCF-style: chr16-58043955-C-T.
Other names: c.388C>T, p.Arg130Cys (NM_001195302.2, NM_001204911.2, NM_001330569.2); c.235C>T, p.Arg79Cys (NM_001330568.2); c.388C>T (NM_024598.3); short protein forms R79C, R130C.
Identifiers: ClinVar variation 1493080 (VCV001493080.7), dbSNP rs769898628, ClinGen allele CA8084892.

ClinVar aggregate classification (germline): Uncertain significance. Review status: criteria provided, multiple submitters, no conflicts (2 of 4 stars). 3 submissions from 3 submitters: Uncertain significance (3). Last evaluated 2025-01-27.

Conditions:
Inborn genetic diseases. Identifiers: MedGen C0950123, MeSH D030342.

Allele frequency attached by ClinVar (database versions not stated): gnomAD 0.00001; gnomAD exomes 0.00002 and 0.00003; TOPMed 0.00002; ExAC 0.00005.

Submissions (3):

Labcorp Genetics (formerly Invitae), Labcorp
Classification: Uncertain significance. Last evaluated: 2025-01-27. Review status: criteria provided, single submitter. Criteria: Invitae Variant Classification Sherloc (09022015). Collection method: clinical testing. Allele origin: germline.
Comment: This sequence change replaces arginine, which is basic and polar, with cysteine, which is neutral and slightly polar, at codon 130 of the USB1 protein (p.Arg130Cys). This variant is present in population databases (rs769898628, gnomAD 0.01%). This variant has not been reported in the literature in individuals affected with USB1-related conditions. ClinVar contains an entry for this variant (Variation ID: 1493080). Invitae Evidence Modeling of protein sequence and biophysical properties (such as structural, functional, and spatial information, amino acid conservation, physicochemical variation, residue mobility, and thermodynamic stability) indicates that this missense variant is expected to disrupt USB1 protein function with a positive predictive value of 80%. In summary, the available evidence is currently insufficient to determine the role of this variant in disease. Therefore, it has been classified as a Variant of Uncertain Significance.

Ambry Genetics
Classification: Uncertain significance for Inborn genetic diseases. Last evaluated: 2024-12-03. Review status: criteria provided, single submitter. Criteria: Ambry Variant Classification Scheme 2023. Collection method: clinical testing. Allele origin: germline.

Blueprint Genetics
Classification: Uncertain significance. Last evaluated: 2024-03-11. Review status: criteria provided, single submitter. Criteria: ACMG Guidelines, 2015. Collection method: clinical testing. Allele origin: germline.